The following is an entry in ClinVar:

ClinVar aggregate classification (germline): Pathogenic/Likely pathogenic. Review status: criteria provided, multiple submitters, no conflicts (2 of 4 stars). 4 submissions from 4 submitters: Pathogenic (3); Likely pathogenic (1). Last evaluated 2025-12-03.

Conditions:
Inborn genetic diseases. Identifiers: MedGen C0950123, MeSH D030342.
Neuronal ceroid lipofuscinosis 2. Also called: JANSKY-BIELSCHOWSKY DISEASE NEURONAL CEROID LIPOFUSCINOSIS, LATE INFANTILE; TPP1-Related Neuronal Ceroid-Lipofuscinosis. Identifiers: Orphanet 168491, Orphanet 228349, Orphanet 79264, MedGen C1876161, MONDO:0008769, OMIM 204500.

Submissions (4):

Labcorp Genetics (formerly Invitae), Labcorp
Classification: Pathogenic. Last evaluated: 2025-12-03. Review status: criteria provided, single submitter. Criteria: Invitae Variant Classification Sherloc (09022015). Collection method: clinical testing. Allele origin: germline.
Comment: This sequence change creates a premature translational stop signal (p.Gly501Alafs*18) in the TPP1 gene. While this is not anticipated to result in nonsense mediated decay, it is expected to disrupt the last 63 amino acid(s) of the TPP1 protein. This variant is not present in population databases (gnomAD no frequency). This premature translational stop signal has been observed in individual(s) with neuronal ceroid lipofuscinosis (PMID: 21990111). ClinVar contains an entry for this variant (Variation ID: 522104). This variant disrupts a region of the TPP1 protein in which other variant(s) (p.Trp542*) have been determined to be pathogenic (internal data). This suggests that this is a clinically significant region of the protein, and that variants that disrupt it are likely to be disease-causing. For these reasons, this variant has been classified as Pathogenic.

Revvity Omics, Revvity
Classification: Likely pathogenic. Last evaluated: 2025-03-24. Review status: criteria provided, single submitter. Criteria: ACMG Guidelines, 2015. Collection method: clinical testing. Allele origin: germline.

3billion
Classification: Pathogenic for Neuronal ceroid lipofuscinosis 2. Last evaluated: 2023-08-07. Review status: criteria provided, single submitter. Criteria: ACMG Guidelines, 2015. Collection method: clinical testing. Allele origin: germline. Affected: yes.
Comment: The variant is not observed in the gnomAD v2.1.1 dataset. Predicted Consequence/Location: Frameshift: predicted to result in a loss or disruption of normal protein function through nonsense-mediated decay (NMD) or protein truncation. Multiple pathogenic variants are reported downstream of the variant. The variant has been reported at least twice as pathogenic without evidence for the classification (ClinVar ID: VCV000522104 /PMID: 21990111). Therefore, this variant is classified as Pathogenic according to the recommendation of ACMG/AMP guideline.

Ambry Genetics
Classification: Pathogenic for Inborn genetic diseases. Last evaluated: 2017-09-20. Review status: criteria provided, single submitter. Criteria: Ambry exome assertion method (8-5-2015). Collection method: clinical testing. Allele origin: germline. Affected: yes. Observed: 1 variant allele.

Literature cited by the submitters: PubMed 21990111 (cited by Labcorp Genetics (formerly Invitae), Labcorp and 3billion).

NM_000391.4(TPP1):c.1497del (p.Gly501fs)

Gene: TPP1 (tripeptidyl peptidase 1; minus strand). Cytogenetic location: 11p15.4.
Variant type: Deletion.
Coding change: c.1497del on transcript NM_000391.4 (MANE Select); coding-DNA position 1497, one base deleted (T; older notation c.1497delT).
Protein change: p.Gly501fs; shifts the reading frame from glycine 501.
Molecular consequence: frameshift variant.
Genome position (GRCh38, 1-based): chr11:6,614,920, A deleted on the plus strand (T on the coding strand, the reverse complement: TPP1 is on the minus strand). VCF-style (leftmost placement, unchanged base first): chr11-6614919-GA-G. GRCh37 (hg19) VCF-style: chr11-6636150-GA-G.
Other names: short protein forms G501fs.
Identifiers: ClinVar variation 522104 (VCV000522104.11), dbSNP rs1554901523, ClinGen allele CA658797587.
Genomic context (GRCh38, chr11:6,614,919, plus strand): 5'-TACTTACATCAAAGAGTCCTGCCCCATGCTGCTGGTAGAGCCTTGGGTTGAGAAAGCCAA[GA>G]GGGGGGCGGCCACTAAGGATCCTGTGCTCATTGATCAAGGATAGGATCCCCCCAAACACT-3'